The following is an entry in ClinVar:

ClinVar aggregate classification (germline): Pathogenic/Likely pathogenic. Review status: criteria provided, multiple submitters, no conflicts (2 of 4 stars). 6 submissions from 6 submitters: Pathogenic (4); Likely pathogenic (2). Last evaluated 2026-06-30.

Conditions:
Retinitis pigmentosa 25 (RP25). Identifiers: Orphanet 791, MedGen C1864446, MONDO:0011272, OMIM 602772.

Submissions (6):

Myriad Genetics, Inc.
Classification: Pathogenic for Retinitis pigmentosa 25. Last evaluated: 2026-06-30. Review status: criteria provided, single submitter. Criteria: Myriad Autosomal Dominant, Autosomal Recessive and X-Linked Classification Criteria (2023). Collection method: clinical testing. Allele origin: unknown.
Comment: NM_001142800.1(EYS):c.7723+1G>A is a variant in a canonical splice site classified as likely pathogenic in the context of retinitis pigmentosa, EYS-related. c.7723+1G>A has been observed in cases with relevant disease (PMID: 37734845, 34178978). Relevant functional assessments of this variant are not available in the literature. c.7723+1G>A has not been observed in referenced population frequency databases. In summary, NM_001142800.1(EYS):c.7723+1G>A is a variant in a canonical splice site in a gene where loss of function is a known mechanism of disease, is predicted to disrupt protein function, and has been observed more frequently in cases with the relevant disease than in healthy populations. Please note: this variant was assessed in the context of healthy population screening.

Dasa
Classification: Likely pathogenic for Retinitis pigmentosa 25. Last evaluated: 2025-09-18. Review status: criteria provided, single submitter. Criteria: DASA Assertion Criteria. Collection method: clinical testing. Allele origin: germline.
Comment: NM_001142800.2(EYS):c.7723+1G>A affects a canonical splice site and is predicted to disrupt normal RNA splicing. Loss of function is an established disease mechanism for EYS-associated disorders. Also, this variant is rare in population databases. Based on the currently available evidence, this variant is classified as likely pathogenic.

Baylor Genetics
Classification: Pathogenic for Retinitis pigmentosa 25. Last evaluated: 2024-03-14. Review status: criteria provided, single submitter. Criteria: ACMG Guidelines, 2015. Collection method: clinical testing. Allele origin: unknown.

GeneDx
Classification: Pathogenic. Last evaluated: 2022-12-16. Review status: criteria provided, single submitter. Criteria: GeneDx Variant Classification Process June 2021. Collection method: clinical testing. Allele origin: germline. Affected: yes.
Comment: Canonical splice site variant predicted to result in a null allele in a gene for which loss of function is a known mechanism of disease; Not observed at significant frequency in large population cohorts (gnomAD); This variant is associated with the following publications: (PMID: 28251098)

Labcorp Genetics (formerly Invitae), Labcorp
Classification: Pathogenic. Last evaluated: 2021-10-09. Review status: criteria provided, single submitter. Criteria: Invitae Variant Classification Sherloc (09022015). Collection method: clinical testing. Allele origin: germline.
Comment: For these reasons, this variant has been classified as Pathogenic. Algorithms developed to predict the effect of sequence changes on RNA splicing suggest that this variant may disrupt the consensus splice site. ClinVar contains an entry for this variant (Variation ID: 986903). Disruption of this splice site has been observed in individual(s) with retinitis pigmentosa (PMID: 28251098; Invitae; external communication). In at least one individual the data is consistent with the variant being in trans (on the opposite chromosome) from a pathogenic variant. This variant is not present in population databases (ExAC no frequency). This sequence change affects a donor splice site in intron 39 of the EYS gene. It is expected to disrupt RNA splicing. Variants that disrupt the donor or acceptor splice site typically lead to a loss of protein function (PMID: 16199547), and loss-of-function variants in EYS are known to be pathogenic (PMID: 18836446, 20333770).

Institute of Medical Genetics and Applied Genomics, University Hospital Tübingen
Classification: Likely pathogenic. Last evaluated: 2020-10-23. Review status: criteria provided, single submitter. Criteria: ACMG Guidelines, 2015. Collection method: clinical testing. Allele origin: germline. Inheritance: Autosomal recessive inheritance. Affected: yes.

Literature cited by the submitters: PubMed 34178978 (cited by Myriad Genetics, Inc.); PubMed 37734845 (cited by Myriad Genetics, Inc.); PubMed 28251098 (cited by Labcorp Genetics (formerly Invitae), Labcorp); PubMed 16199547 (cited by Labcorp Genetics (formerly Invitae), Labcorp); PubMed 18836446 (cited by Labcorp Genetics (formerly Invitae), Labcorp); PubMed 20333770 (cited by Labcorp Genetics (formerly Invitae), Labcorp).

NM_001142800.2(EYS):c.7723+1G>A

Gene: EYS (EGF-like photoreceptor maintenance factor; minus strand). Cytogenetic location: 6q12.
Variant type: single nucleotide variant.
Coding change: c.7723+1G>A on transcript NM_001142800.2 (MANE Select); the canonical splice donor site of the intron after coding-DNA position 7723, G replaced by A.
Molecular consequence: splice donor variant.
Genome position (GRCh38, 1-based): chr6:63,788,104, C>T on the plus strand (G>A on the coding strand, the complement: EYS is on the minus strand). VCF-style: chr6-63788104-C-T. GRCh37 (hg19) VCF-style: chr6-64497997-C-T.
Other names: c.7723+1G>A (NM_001292009.2).
Identifiers: ClinVar variation 986903 (VCV000986903.14), dbSNP rs1770412895, ClinGen allele CA364384668.